The following is an entry in ClinVar:

ClinVar aggregate classification (germline): Likely benign. Review status: criteria provided, multiple submitters, no conflicts (2 of 4 stars). 2 submissions from 2 submitters: Likely benign (2). Last evaluated 2024-03-05.

Conditions:
Familial hemiplegic migraine. Identifiers: MedGen C0338484, MONDO:0000700.

Submissions (2):

Labcorp Genetics (formerly Invitae), Labcorp
Classification: Likely benign for Familial hemiplegic migraine. Last evaluated: 2024-03-05. Review status: criteria provided, single submitter. Criteria: Invitae Variant Classification Sherloc (09022015). Collection method: clinical testing. Allele origin: germline.

GeneDx
Classification: Likely benign. Last evaluated: 2016-11-03. Review status: criteria provided, single submitter. Criteria: GeneDx Variant Classification (06012015). Collection method: clinical testing. Allele origin: germline. Affected: yes.
Comment: This variant is considered likely benign or benign based on one or more of the following criteria: it is a conservative change, it occurs at a poorly conserved position in the protein, it is predicted to be benign by multiple in silico algorithms, and/or has population frequency not consistent with disease.

NM_000702.4(ATP1A2):c.1018-15_1018-13del

Gene: ATP1A2 (ATPase Na+/K+ transporting subunit alpha 2; plus strand). Cytogenetic location: 1q23.2.
Variant type: Microsatellite.
Coding change: c.1018-15_1018-13del on transcript NM_000702.4 (MANE Select); 15 bases into the intron before coding-DNA position 1018 through 13 bases into the intron before coding-DNA position 1018, 3 bases deleted (CTC; older notation c.1018-15_1018-13delCTC).
Molecular consequence: intron variant.
Genome position (GRCh38, 1-based): chr1:160,128,637-160,128,639, CTC deleted; deleting any 3 consecutive bases within chr1:160,128,634-160,128,639 gives the same sequence; the c. name uses the placement nearest the transcript's 3' end. VCF-style (leftmost placement, unchanged base first): chr1-160128633-TCTC-T. GRCh37 (hg19) VCF-style: chr1-160098423-TCTC-T.
Other names: c.1018-15_1018-13delCTC (NM_000702.3).
Identifiers: ClinVar variation 422665 (VCV000422665.3), dbSNP rs1064795923, ClinGen allele CA16617010.